The following is an entry in ClinVar:

NM_021614.4(KCNN2):c.1048G>A (p.Ala350Thr)

Gene: KCNN2 (potassium calcium-activated channel subfamily N member 2; plus strand). Cytogenetic location: 5q22.3.
Variant type: single nucleotide variant.
Coding change: c.1048G>A on transcript NM_021614.4 (MANE Select); coding-DNA position 1048, G replaced by A.
Protein change: p.Ala350Thr; replaces alanine 350 with threonine.
Molecular consequence: missense variant. On other transcripts: non-coding transcript variant (1).
Genome position (GRCh38, 1-based): chr5:114,363,187, G>A. VCF-style: chr5-114363187-G-A. GRCh37 (hg19) VCF-style: chr5-113698884-G-A.
Other names: c.1246G>A, p.Ala416Thr (NM_001372233.1); short protein forms A350T, A416T.
Identifiers: ClinVar variation 3600712 (VCV003600712.1).
Genomic context (GRCh38, chr5:114,363,187, plus strand): 5'-GGCTACAAGCTGGGCCACCGGCGCGCCCTGTTCGAAAAGCGCAAGCGGCTCAGCGACTAC[G>A]CGCTCATCTTCGGCATGTTCGGCATCGTGGTCATGGTCATCGAGACCGAGCTGTCGTGGG-3'
Protein context (NP_067627.3, residues 340-360): FEKRKRLSDY[Ala350Thr]LIFGMFGIVV

ClinVar aggregate classification (germline): Uncertain significance (1 of 4 stars; one submission).

Submission:

GeneDx
Classification: Uncertain significance. Last evaluated: 2024-07-23. Review status: criteria provided, single submitter. Criteria: GeneDx Variant Classification Process June 2021. Collection method: clinical testing. Allele origin: germline. Affected: yes.
Comment: Not observed at significant frequency in large population cohorts (gnomAD); In silico analysis supports that this missense variant has a deleterious effect on protein structure/function; Has not been previously published as pathogenic or benign to our knowledge